The following is an entry in ClinVar:

ClinVar aggregate classification (germline): Uncertain significance (1 of 4 stars; one submission).

Submission:

Labcorp Genetics (formerly Invitae), Labcorp
Classification: Uncertain significance. Last evaluated: 2024-07-16. Review status: criteria provided, single submitter. Criteria: Invitae Variant Classification Sherloc (09022015). Collection method: clinical testing. Allele origin: germline.
Comment: This sequence change replaces asparagine, which is neutral and polar, with lysine, which is basic and polar, at codon 291 of the KIF23 protein (p.Asn291Lys). This variant is not present in population databases (gnomAD no frequency). This variant has not been reported in the literature in individuals affected with KIF23-related conditions. Advanced modeling of protein sequence and biophysical properties (such as structural, functional, and spatial information, amino acid conservation, physicochemical variation, residue mobility, and thermodynamic stability) has been performed at Invitae for this missense variant, however the output from this modeling did not meet the statistical confidence thresholds required to predict the impact of this variant on KIF23 protein function. In summary, the available evidence is currently insufficient to determine the role of this variant in disease. Therefore, it has been classified as a Variant of Uncertain Significance.

NM_001367805.3(KIF23):c.915T>A (p.Asn305Lys)

Gene: KIF23 (kinesin family member 23; plus strand). Cytogenetic location: 15q23.
Variant type: single nucleotide variant.
Coding change: c.915T>A on transcript NM_001367805.3 (MANE Select); coding-DNA position 915, T replaced by A.
Protein change: p.Asn305Lys; replaces asparagine 305 with lysine.
Molecular consequence: missense variant. On other transcripts: non-coding transcript variant (2).
Genome position (GRCh38, 1-based): chr15:69,426,361, T>A. VCF-style: chr15-69426361-T-A. GRCh37 (hg19) VCF-style: chr15-69718700-T-A.
Other names: c.543T>A, p.Asn181Lys (NM_001281301.2); c.873T>A, p.Asn291Lys (NM_001367804.2, NM_004856.7, NM_138555.4); short protein forms N305K, N291K, N181K.
Identifiers: ClinVar variation 3648090 (VCV003648090.2).